The following is an entry in ClinVar:

ClinVar aggregate classification (germline): Likely pathogenic (1 of 4 stars; one submission).

Conditions:
Leber congenital amaurosis (LCA). Also called: Leber's amaurosis. Identifiers: Orphanet 65, MedGen C0339527, MeSH D057130, MONDO:0018998.

Allele frequency attached by ClinVar (database versions not stated): gnomAD exomes below 0.00001; TOPMed below 0.00001; ExAC 0.00002.
gnomAD v4.1: 1 of 1,613,092 alleles (0.000062%); highest among the groups gnomAD compares: Admixed American, 0.0017%; no homozygotes.

Submission:

Natera, Inc.
Classification: Likely pathogenic for Leber congenital amaurosis. Last evaluated: 2025-04-07. Review status: criteria provided, single submitter. Criteria: Natera Variant Classification Schema (03/2026). Collection method: clinical testing. Allele origin: germline.
Comment: The c.867G>A variant in RDH12 is a nonsense variant predicted to introduce a stop codon at amino acid 289. This variant is expected to result in nonsense mediated decay, truncation, or a dysfunctional protein product. This variant is rare in the general population with a frequency below the threshold expected for the associated phenotype(s). Given the available evidence, this variant is classified as Likely Pathogenic.

NM_152443.3(RDH12):c.867G>A (p.Trp289Ter)

Genes: GPHN (gephyrin; plus strand), RDH12 (retinol dehydrogenase 12; plus strand), ZFYVE26 (zinc finger FYVE-type containing 26; minus strand). Cytogenetic location: 14q24.1.
Variant type: single nucleotide variant.
Coding change: c.867G>A on transcript NM_152443.3 (MANE Select); coding-DNA position 867, G replaced by A.
Protein change: p.Trp289Ter; replaces tryptophan 289 with a stop codon.
Molecular consequence: nonsense.
Genome position (GRCh38, 1-based): chr14:67,733,764, G>A. VCF-style: chr14-67733764-G-A. GRCh37 (hg19) VCF-style: chr14-68200481-G-A.
Other names: c.867G>A (NM_152443.2); short protein forms W289*.
Identifiers: ClinVar variation 3240300 (VCV003240300.4), dbSNP rs757735668.